The following is an entry in ClinVar:

ClinVar aggregate classification (germline): Likely pathogenic. Review status: criteria provided, multiple submitters, no conflicts (2 of 4 stars). 4 submissions from 4 submitters: Likely pathogenic (3). 1 of the submissions does not count toward it. Last evaluated 2025-02-25.

Conditions:
Adenine phosphoribosyltransferase deficiency (APRTD). Also called: APRT DEFICIENCY; NEPHROLITHIASIS, DHA; Urolithiasis, dha; 2,8-dihydroxyadenine urolithiasis. Identifiers: Orphanet 976, MedGen C0268120, MONDO:0013869, OMIM 614723.

Allele frequency attached by ClinVar (database versions not stated): gnomAD exomes below 0.00001; ExAC 0.00001.
gnomAD v4.1: 7 of 1,611,674 alleles (0.00043%); highest among the groups gnomAD compares: South Asian, 0.0022%; no homozygotes.

Submissions (4):

Labcorp Genetics (formerly Invitae), Labcorp
Classification: Likely pathogenic. Last evaluated: 2025-02-25. Review status: criteria provided, single submitter. Criteria: Invitae Variant Classification Sherloc (09022015). Collection method: clinical testing. Allele origin: germline.
Comment: This sequence change replaces arginine, which is basic and polar, with glutamine, which is neutral and polar, at codon 67 of the APRT protein (p.Arg67Gln). The frequency data for this variant in the population databases is considered unreliable, as metrics indicate poor data quality at this position in the gnomAD database. This missense change has been observed in individual(s) with adenine phosphoribosyltransferase (APRT) deficiency (PMID: 1781410, 15571218, 31201003, 34267448). In at least one individual the data is consistent with being in trans (on the opposite chromosome) from a pathogenic variant. It has also been observed to segregate with disease in related individuals. ClinVar contains an entry for this variant (Variation ID: 988046). An algorithm developed to predict the effect of missense changes on protein structure and function (PolyPhen-2) suggests that this variant is likely to be disruptive. In summary, the currently available evidence indicates that the variant is pathogenic, but additional data are needed to prove that conclusively. Therefore, this variant has been classified as Likely Pathogenic.

Neuberg Centre For Genomic Medicine, NCGM
Classification: Likely pathogenic for Adenine phosphoribosyltransferase deficiency. Last evaluated: 2023-07-22. Review status: criteria provided, single submitter. Criteria: ACMG Guidelines, 2015. Collection method: clinical testing. Allele origin: germline. Inheritance: Autosomal recessive inheritance. Affected: yes.
Comment: The missense c.200G>A p.Arg67Gln variant in the APRT gene which is located in a mutational hot spot has been reported previously in a homozygous and heterozygous state in individuals affected with adenine phosphoribosyltransferase APRT deficiency Lau et al., 2019; Taniguchi et al., 2004. This variant has been reported to the ClinVar database as Pathogenic/ Likely pathogenic. This variant is reported with the allele frequency 0.0004% in the gnomAD Exomes. The amino acid Arg at position 67 is changed to a Gln changing protein sequence and it might alter its composition and physico-chemical properties. Multiple lines of computational evidence Polyphen - Damaging, SIFT - Damaging and MutationTaster - Disease causing predict a damaging effect on protein structure and function for this variant. The amino acid change p.Arg67Gln in APRT is predicted as conserved by GERP++ and PhyloP across 100 vertebrates. Functional studies will be required to prove the pathogenicity. For these reasons, this variant has been classified as Likely Pathogenic.

Revvity Omics, Revvity
Classification: Likely pathogenic for Adenine phosphoribosyltransferase deficiency. Last evaluated: 2021-04-23. Review status: criteria provided, single submitter. Criteria: ACMG Guidelines, 2015. Collection method: clinical testing. Allele origin: germline.

APRT Deficiency Research Program of the Rare Kidney Stone Consortium, Landspitali, National University Hospital of Iceland
Classification: Pathogenic for Adenine phosphoribosyltransferase deficiency. Last evaluated: 2020-09-01. Review status: no assertion criteria provided. Collection method: literature only. Allele origin: germline. Affected: yes. Not counted in ClinVar's aggregate classification.

Literature cited by the submitters: PubMed 1781410 (cited by Labcorp Genetics (formerly Invitae), Labcorp); PubMed 15571218 (cited by Labcorp Genetics (formerly Invitae), Labcorp and APRT Deficiency Research Program of the Rare Kidney Stone Consortium, Landspitali, National University Hospital of Iceland); PubMed 31201003 (cited by Labcorp Genetics (formerly Invitae), Labcorp and APRT Deficiency Research Program of the Rare Kidney Stone Consortium, Landspitali, National University Hospital of Iceland); PubMed 34267448 (cited by Labcorp Genetics (formerly Invitae), Labcorp); DOI 10.1036/ommbid.136 (cited by APRT Deficiency Research Program of the Rare Kidney Stone Consortium, Landspitali, National University Hospital of Iceland).

NM_000485.3(APRT):c.200G>A (p.Arg67Gln)

Gene: APRT (adenine phosphoribosyltransferase; minus strand). Cytogenetic location: 16q24.3.
Variant type: single nucleotide variant.
Coding change: c.200G>A on transcript NM_000485.3 (MANE Select); coding-DNA position 200, G replaced by A.
Protein change: p.Arg67Gln; replaces arginine 67 with glutamine.
Molecular consequence: missense variant.
Genome position (GRCh38, 1-based): chr16:88,810,544, C>T on the plus strand (G>A on the coding strand, the complement: APRT is on the minus strand). VCF-style: chr16-88810544-C-T. GRCh37 (hg19) VCF-style: chr16-88876952-C-T.
Other names: c.200G>A, p.Arg67Gln (NM_001030018.2); short protein forms R67Q.
Identifiers: ClinVar variation 988046 (VCV000988046.7), dbSNP rs762509151, ClinGen allele CA8234511.